The following is an entry in ClinVar:

NM_019066.5(MAGEL2):c.356T>C (p.Met119Thr)

Gene: MAGEL2 (MAGE family member L2; minus strand). Cytogenetic location: 15q11.2.
Variant type: single nucleotide variant.
Coding change: c.356T>C on transcript NM_019066.5 (MANE Select); coding-DNA position 356, T replaced by C.
Protein change: p.Met119Thr; replaces methionine 119 with threonine.
Molecular consequence: missense variant.
Genome position (GRCh38, 1-based): chr15:23,647,387, A>G on the plus strand (T>C on the coding strand, the complement: MAGEL2 is on the minus strand). VCF-style: chr15-23647387-A-G. GRCh37 (hg19) VCF-style: chr15-23892534-A-G.
Other names: c.356T>C (NM_019066.4); short protein forms M119T.
Identifiers: ClinVar variation 3712751 (VCV003712751.3).
Genomic context (GRCh38, chr15:23,647,387, plus strand): 5'-ATGGGAGCTCCGGGAGCTGAAGGATGCACCATCAGGACTCCCGGGGTCGGAGGCTGGGCC[A>G]TCGGGGCTCCCGGAGGTGGAGGATGCACCATCAGGACCCCGGGAGTCGGAGGCTTACCCA-3'
Protein context (NP_061939.3, residues 109-129): MVHPPPPGAP[Met119Thr]AQPPTPGVLM

ClinVar aggregate classification (germline): Uncertain significance. Review status: criteria provided, multiple submitters, no conflicts (2 of 4 stars). 2 submissions from 2 submitters: Uncertain significance (2). Last evaluated 2026-04-21.

Conditions:
MAGEL2-related disorder. Also called: MAGEL2-related condition.

Submissions (2):

PreventionGenetics, part of Exact Sciences
Classification: Uncertain significance for MAGEL2-related condition. Last evaluated: 2026-04-21. Review status: criteria provided, single submitter. Criteria: ACMG Guidelines, 2015. Collection method: clinical testing. Allele origin: germline.
Comment: The MAGEL2 c.356T>C variant is predicted to result in the amino acid substitution p.Met119Thr. To our knowledge, this variant has not been reported in the literature or in a large population database (gnomAD), indicating this variant is rare. At this time, the clinical significance of this variant is uncertain due to the absence of conclusive functional and genetic evidence.

Labcorp Genetics (formerly Invitae), Labcorp
Classification: Uncertain significance. Last evaluated: 2024-11-28. Review status: criteria provided, single submitter. Criteria: Invitae Variant Classification Sherloc (09022015). Collection method: clinical testing. Allele origin: germline.
Comment: This sequence change replaces methionine, which is neutral and non-polar, with threonine, which is neutral and polar, at codon 119 of the MAGEL2 protein (p.Met119Thr). This variant is not present in population databases (gnomAD no frequency). This variant has not been reported in the literature in individuals affected with MAGEL2-related conditions. Experimental studies and prediction algorithms are not available or were not evaluated, and the functional significance of this variant is currently unknown. In summary, the available evidence is currently insufficient to determine the role of this variant in disease. Therefore, it has been classified as a Variant of Uncertain Significance.